The following is an entry in ClinVar:

NM_001903.5(CTNNA1):c.1346T>G (p.Leu449Arg)

Gene: CTNNA1 (catenin alpha 1; plus strand). Cytogenetic location: 5q31.2.
Variant type: single nucleotide variant.
Coding change: c.1346T>G on transcript NM_001903.5 (MANE Select); coding-DNA position 1346, T replaced by G.
Protein change: p.Leu449Arg; replaces leucine 449 with arginine.
Molecular consequence: missense variant. On other transcripts: 5 prime UTR variant (6), intron variant (3).
Genome position (GRCh38, 1-based): chr5:138,904,398, T>G. VCF-style: chr5-138904398-T-G. GRCh37 (hg19) VCF-style: chr5-138240087-T-G.
Other names: c.1346T>G, p.Leu449Arg (NM_001290307.3, NM_001323982.2, NM_001323983.1 and 2 more transcripts); c.1037T>G, p.Leu346Arg (NM_001290309.3); c.977T>G, p.Leu326Arg (NM_001290310.3); c.236T>G, p.Leu79Arg (NM_001290312.1, NM_001323987.1, NM_001323988.1 and 17 more transcripts); c.-162T>G (NM_001324006.1, NM_001324007.1, NM_001324008.1 and 1 more transcripts); c.-8T>G (NM_001324012.1, NM_001324013.1); c.1297-13344T>G (NM_001323986.2); c.187-13344T>G (NM_001324011.1); and 1 more; short protein forms L79R, L449R, L326R, L346R.
Identifiers: ClinVar variation 1444436 (VCV001444436.6), dbSNP rs768295138, ClinGen allele CA3431923.
Genomic context (GRCh38, chr5:138,904,398, plus strand): 5'-TATGTTTATAGGTTGCCAACTTGGCCTGTTCCATCTCAAATAATGAAGAAGGTGTAAAGC[T>G]TGTTCGAATGTCTGCAAGCCAGTTAGAAGCCCTCTGTCCTCAGGTAAAGTACAACTGACA-3'
Protein context (NP_001894.2, residues 439-459): SISNNEEGVK[Leu449Arg]VRMSASQLEA

ClinVar aggregate classification (germline): Uncertain significance (1 of 4 stars; one submission).

Allele frequency attached by ClinVar (database versions not stated): gnomAD exomes below 0.00001; ExAC 0.00001.
gnomAD v4.1: 2 of 1,614,164 alleles (0.00012%); highest among the groups gnomAD compares: South Asian, 0.0022%; no homozygotes.

Submission:

Labcorp Genetics (formerly Invitae), Labcorp
Classification: Uncertain significance. Last evaluated: 2021-10-23. Review status: criteria provided, single submitter. Criteria: Invitae Variant Classification Sherloc (09022015). Collection method: clinical testing. Allele origin: germline.
Comment: In summary, the available evidence is currently insufficient to determine the role of this variant in disease. Therefore, it has been classified as a Variant of Uncertain Significance. Algorithms developed to predict the effect of missense changes on protein structure and function are either unavailable or do not agree on the potential impact of this missense change (SIFT: "Deleterious"; PolyPhen-2: "Benign"; Align-GVGD: "Class C0"). This variant has not been reported in the literature in individuals affected with CTNNA1-related conditions. This variant is present in population databases (rs768295138, ExAC 0.006%). This sequence change replaces leucine with arginine at codon 449 of the CTNNA1 protein (p.Leu449Arg). The leucine residue is highly conserved and there is a moderate physicochemical difference between leucine and arginine.